The following is an entry in ClinVar:

NM_001371928.1(AHDC1):c.4031T>C (p.Ile1344Thr)

Gene: AHDC1 (AT-hook DNA binding motif containing 1; minus strand). Cytogenetic location: 1p36.11.
Variant type: single nucleotide variant.
Coding change: c.4031T>C on transcript NM_001371928.1 (MANE Select); coding-DNA position 4031, T replaced by C.
Protein change: p.Ile1344Thr; replaces isoleucine 1344 with threonine.
Molecular consequence: missense variant.
Genome position (GRCh38, 1-based): chr1:27,548,085, A>G on the plus strand (T>C on the coding strand, the complement: AHDC1 is on the minus strand). VCF-style: chr1-27548085-A-G. GRCh37 (hg19) VCF-style: chr1-27874596-A-G.
Other names: c.4031T>C, p.Ile1344Thr (NM_001029882.3); short protein forms I1344T.
Identifiers: ClinVar variation 1200138 (VCV001200138.8), dbSNP rs1467982801, ClinGen allele CA339224001.

ClinVar aggregate classification (germline): Conflicting classifications of pathogenicity. Review status: criteria provided, conflicting classifications (1 of 4 stars). 2 submissions from 2 submitters: Uncertain significance (1); Likely benign (1). Last evaluated 2021-01-06.

Allele frequency attached by ClinVar (database versions not stated): gnomAD exomes below 0.00001; TOPMed below 0.00001; gnomAD 0.00001.
gnomAD v4.1: 3 of 1,613,800 alleles (0.00019%); highest among the groups gnomAD compares: Non-Finnish European, 0.00017%; no homozygotes.

Submissions (2):

Greenwood Genetic Center Diagnostic Laboratories, Greenwood Genetic Center
Classification: Uncertain significance. Last evaluated: 2021-01-06. Review status: criteria provided, single submitter. Criteria: ACMG Guidelines, 2015. Collection method: clinical testing. Allele origin: germline. Affected: yes.
Comment: BP4, PM2

GeneDx
Classification: Likely benign. Last evaluated: 2019-01-23. Review status: criteria provided, single submitter. Criteria: GeneDx Variant Classification Process June 2021. Collection method: clinical testing. Allele origin: germline. Affected: yes.